The following continues an entry in ClinVar:

NM_000238.4(KCNH2):c.2510A>G (p.Asp837Gly)

Gene: KCNH2. ClinVar aggregate classification (germline): Pathogenic/Likely pathogenic. Pathogenic (2); Likely pathogenic (7).

Submissions 6 to 10 of 10:

Women's Health and Genetics/Laboratory Corporation of America, LabCorp
Classification: Likely pathogenic for Cardiac arrhythmia. Last evaluated: 2022-01-25. Review status: criteria provided, single submitter. Criteria: LabCorp Variant Classification Summary - May 2015. Collection method: clinical testing. Allele origin: germline.
Comment: Variant summary: KCNH2 c.2510A>G (p.Asp837Gly) results in a non-conservative amino acid change located in the Cyclic nucleotide-binding domain (IPR000595) of the encoded protein sequence. Four of five in-silico tools predict a damaging effect of the variant on protein function. The variant was absent in 251458 control chromosomes (gnomAD). c.2510A>G has been reported in the literature in individuals with personal and family history of Arrhythmia (Khositseth_2004, Tester_2005, Mullally_2013, Lieve_2013, Partemi_2015). These data indicate that the variant may be associated with disease. To our knowledge, two publications have shown experimental evidence that the variant impacts protein function: the variant induces a trafficking defect of the mature hERG channel when expressed alone in HEK293 cells, and in a dominant-negative manner when co-expressed with wild-type protein (Anderson_2014). Conformational changes that were detected via NMR spectrometry in E.coli purified protein have been suggested as a cause of this deficiency (Li_2016). Four ClinVar submitters have assessed this variant since 2014: three classified the variant as likely pathogenic, and one as pathogenic. Based on the evidence outlined above, the variant was classified as likely pathogenic.

Revvity Omics, Revvity
Classification: Likely pathogenic. Last evaluated: 2021-01-09. Review status: criteria provided, single submitter. Criteria: ACMG Guidelines, 2015. Collection method: clinical testing. Allele origin: germline.

SIB Swiss Institute of Bioinformatics
Classification: Likely pathogenic for Long QT syndrome 2. Last evaluated: 2018-05-31. Review status: criteria provided, single submitter. Criteria: ACMG Guidelines, 2015. Collection method: curation. Allele origin: unknown.
Comment: This variant is interpreted as a Likely Pathogenic, for Long QT syndrome 2, in Autosomal Dominant manner. The following ACMG Tag(s) were applied: PP3 => Multiple lines of computational evidence support a deleterious effect on the gene or gene product. PS3-Moderate => PS3 downgraded in strength to Moderate. PM2 => Absent from controls (or at extremely low frequency if recessive) in Exome Sequencing Project, 1000 Genomes Project, or Exome Aggregation Consortium. PS4-Moderate => Mutation found in multiple unrelated patients and absent from population databases.

GeneDx
Classification: Pathogenic. Last evaluated: 2018-03-05. Review status: criteria provided, single submitter. Criteria: GeneDx Variant Classification (06012015). Collection method: clinical testing. Allele origin: germline. Affected: yes.
Comment: The D837G pathogenic variant in the KCNH2 gene has been reported previously in association with LQTS, and this variant was absent from 1,488 control alleles (Khositseth et al., 2004; Tester et al., 2005; Partemi et al., 2014). In addition, the NHLBI Exome Sequencing Project reports D837G was not observed in approximately 6,500 samples from individuals of European and African American backgrounds, indicating it is not a common benign variant in these populations. The D837G variant is a non-conservative amino acid substitution, which is likely to impact secondary protein structure as these residues differ in polarity, charge, size and/or other properties. This substitution also occurs at a position that is conserved across species and islocated in the cyclic-nucleotide-binding homology domain (CNBHD). Moreover, functional studies have shown that variants in the CNBHD can cause incorrect folding that can lead to protein instability and ultimately deficient protein trafficking (Li et al., 2016; Anderson et al., 2014). Furthermore, pathogenic missense variants at the same residue (D837N, D837Y), as well as variants in nearby residues (R835W, R835Q, V841L, P846S, P846T) have been reported in association with LQTS (Stenson et al., 2014), supporting the functional importance of this region of the protein. In summary, D837G in the KCNH2 gene is interpreted as a pathogenic variant.

Cardiovascular Biomedical Research Unit, Royal Brompton & Harefield NHS Foundation Trust
No classification provided. Condition: Familial long QT syndrome. Review status: no classification provided. Collection method: literature only. Allele origin: germline. Not counted in ClinVar's aggregate classification.
Comment: This variant has been reported as associated with Long QT syndrome in the following publications (PMID:15840476;PMID:15851119). This is a literature report, and does not necessarily reflect the clinical interpretation of the Imperial College / Royal Brompton Cardiovascular Genetics laboratory.

Literature cited by the submitters: PubMed 15840476 (cited by 3 submitters); PubMed 15851119 (cited by 5 submitters); PubMed 19716085 (cited by Ambry Genetics); PubMed 20850565 (cited by 3 submitters); PubMed 21440677 (cited by 4 submitters); PubMed 25119684 (cited by 5 submitters); PubMed 25417810 (cited by 5 submitters); PubMed 19841300 (cited by Labcorp Genetics (formerly Invitae), Labcorp); PubMed 26669661 (cited by Labcorp Genetics (formerly Invitae), Labcorp); PubMed 23631430 (cited by 3 submitters); PubMed 32893267 (cited by Color Diagnostics, LLC DBA Color Health); PubMed 23174487 (cited by Women's Health and Genetics/Laboratory Corporation of America, LabCorp); PubMed 27025590 (cited by Women's Health and Genetics/Laboratory Corporation of America, LabCorp); PubMed 22581653 (cited by Cardiovascular Biomedical Research Unit, Royal Brompton & Harefield NHS Foundation Trust).